The following is an entry in ClinVar:

ClinVar aggregate classification (germline): Likely benign. Review status: criteria provided, multiple submitters, no conflicts (2 of 4 stars). 2 submissions from 2 submitters: Likely benign (2). Last evaluated 2018-06-19.

Allele frequency attached by ClinVar (database versions not stated): 1000 Genomes Project 0.00339; 1000 Genomes Project 30x 0.00344; TOPMed 0.00598; gnomAD 0.00693 and 0.00697; gnomAD exomes 0.00918.
gnomAD v4.1: 11,001 of 1,252,618 alleles (0.88%); highest among the groups gnomAD compares: Non-Finnish European, 1%; 48 homozygotes.

Submissions (2):

GeneDx
Classification: Likely benign. Last evaluated: 2018-06-19. Review status: criteria provided, single submitter. Criteria: GeneDx Variant Classification (06012015). Collection method: clinical testing. Allele origin: germline. Affected: yes.
Comment: This variant is considered likely benign or benign based on one or more of the following criteria: it is a conservative change, it occurs at a poorly conserved position in the protein, it is predicted to be benign by multiple in silico algorithms, and/or has population frequency not consistent with disease.

Breakthrough Genomics
Classification: Likely benign. Review status: criteria provided, single submitter. Criteria: ACMG Guidelines, 2015. Collection method: not provided. Allele origin: germline. Inheritance: Autosomal recessive inheritance. Affected: yes.

NM_001082538.3(TCTN1):c.342-110C>T

Gene: TCTN1 (tectonic family member 1; plus strand). Cytogenetic location: 12q24.11.
Variant type: single nucleotide variant.
Coding change: c.342-110C>T on transcript NM_001082538.3 (MANE Select); 110 bases into the intron before coding-DNA position 342, C replaced by T.
Molecular consequence: intron variant.
Genome position (GRCh38, 1-based): chr12:110,626,252, C>T. VCF-style: chr12-110626252-C-T. GRCh37 (hg19) VCF-style: chr12-111064057-C-T.
Other names: c.174-110C>T (NM_001173975.3, NM_001319682.3); c.162-110C>T (NM_001173976.2); c.-366-110C>T (NM_001319681.2); c.342-110C>T (NM_024549.6, NM_001082537.3, NM_001319680.2).
Identifiers: ClinVar variation 675106 (VCV000675106.2), dbSNP rs76929479, ClinGen allele CA243557704.